The following is an entry in ClinVar:

ClinVar aggregate classification (germline): Likely benign. Review status: criteria provided, multiple submitters, no conflicts (2 of 4 stars). 2 submissions from 2 submitters: Likely benign (2). Last evaluated 2025-07-10.

Conditions:
RAB18-related disorder. Also called: RAB18-related condition.

Allele frequency attached by ClinVar (database versions not stated): ExAC 0.00002; gnomAD exomes 0.00002; TOPMed 0.00005; ESP Exome Variant Server 0.00008.
gnomAD v4.1: 38 of 1,612,654 alleles (0.0024%); highest among the groups gnomAD compares: South Asian, 0.0055%; no homozygotes.

Submissions (2):

Labcorp Genetics (formerly Invitae), Labcorp
Classification: Likely benign. Last evaluated: 2025-07-10. Review status: criteria provided, single submitter. Criteria: Invitae Variant Classification Sherloc (09022015). Collection method: clinical testing. Allele origin: germline.

PreventionGenetics, part of Exact Sciences
Classification: Likely benign for RAB18-related condition. Last evaluated: 2025-03-13. Review status: criteria provided, single submitter. Criteria: ACMG Guidelines, 2015. Collection method: clinical testing. Allele origin: germline.
Comment: This variant is classified as likely benign based on ACMG/AMP sequence variant interpretation guidelines (Richards et al. 2015 PMID: 25741868, with internal and published modifications).

NM_021252.5(RAB18):c.105A>G (p.Pro35=)

Gene: RAB18 (RAB18, member RAS oncogene family; plus strand). Cytogenetic location: 10p12.1.
Variant type: single nucleotide variant.
Coding change: c.105A>G on transcript NM_021252.5 (MANE Select); coding-DNA position 105, A replaced by G.
Protein change: p.Pro35=; no amino-acid change (proline 35 retained).
Molecular consequence: synonymous variant. On other transcripts: non-coding transcript variant (1).
Genome position (GRCh38, 1-based): chr10:27,509,911, A>G. VCF-style: chr10-27509911-A-G. GRCh37 (hg19) VCF-style: chr10-27798840-A-G.
Other names: c.105A>G, p.Pro35= (NM_001256410.2, NM_001256411.2, NM_001256412.2); c.105A>G (NM_001256410.1).
Identifiers: ClinVar variation 2147852 (VCV002147852.5), dbSNP rs144242088, ClinGen allele CA5452236.